The following is an entry in ClinVar:

NM_001099403.2(PRDM8):c.2057C>G (p.Thr686Ser)

Gene: PRDM8 (PR/SET domain 8; plus strand). Cytogenetic location: 4q21.21.
Variant type: single nucleotide variant.
Coding change: c.2057C>G on transcript NM_001099403.2 (MANE Select); coding-DNA position 2057, C replaced by G.
Protein change: p.Thr686Ser; replaces threonine 686 with serine.
Molecular consequence: missense variant.
Genome position (GRCh38, 1-based): chr4:80,203,519, C>G. VCF-style: chr4-80203519-C-G. GRCh37 (hg19) VCF-style: chr4-81124673-C-G.
Other names: c.2057C>G, p.Thr686Ser (NM_020226.4); short protein forms T686S.
Identifiers: ClinVar variation 578826 (VCV000578826.8), dbSNP rs1560481395, ClinGen allele CA357404306.
Genomic context (GRCh38, chr4:80,203,519, plus strand): 5'-TCAAGTGCCCCATCTGCAATGAGTCCTTCAGGGAGCGCCACCACCTCTCCAGGCACATGA[C>G]CTCGCATAATTGACTCGGAAAGGACCCCAGCTTTCCACGCGCGCGCAAGCACAGTTAAGC-3'
Protein context (NP_001092873.1, residues 676-689): RERHHLSRHM[Thr686Ser]SHN

ClinVar aggregate classification (germline): Uncertain significance (1 of 4 stars; one submission).

Conditions:
Early-onset Lafora body disease. Also called: Epilepsy, progressive myoclonic, 10. Identifiers: Orphanet 324290, MedGen C4225258, MONDO:0014717, OMIM 616640.

Submission:

Labcorp Genetics (formerly Invitae), Labcorp
Classification: Uncertain significance for Early-onset Lafora body disease. Last evaluated: 2018-06-20. Review status: criteria provided, single submitter. Criteria: Invitae Variant Classification Sherloc (09022015). Collection method: clinical testing. Allele origin: germline.
Comment: In summary, the available evidence is currently insufficient to determine the role of this variant in disease. Therefore, it has been classified as a Variant of Uncertain Significance. Algorithms developed to predict the effect of missense changes on protein structure and function are either unavailable or do not agree on the potential impact of this missense change (SIFT: "Tolerated"; PolyPhen-2: "Possibly Damaging"; Align-GVGD: "Class C0"). This variant has not been reported in the literature in individuals with PRDM8-related disease. This variant is not present in population databases (ExAC no frequency). This sequence change replaces threonine with serine at codon 686 of the PRDM8 protein (p.Thr686Ser). The threonine residue is moderately conserved and there is a small physicochemical difference between threonine and serine.